The following is an entry in ClinVar:

NM_002334.4(LRP4):c.2639C>T (p.Ala880Val)

Gene: LRP4 (LDL receptor related protein 4; minus strand). Cytogenetic location: 11p11.2.
Variant type: single nucleotide variant.
Coding change: c.2639C>T on transcript NM_002334.4 (MANE Select); coding-DNA position 2639, C replaced by T.
Protein change: p.Ala880Val; replaces alanine 880 with valine.
Molecular consequence: missense variant.
Genome position (GRCh38, 1-based): chr11:46,881,877, G>A on the plus strand (C>T on the coding strand, the complement: LRP4 is on the minus strand). VCF-style: chr11-46881877-G-A. GRCh37 (hg19) VCF-style: chr11-46903428-G-A.
Other names: short protein forms A880V.
Identifiers: ClinVar variation 304877 (VCV000304877.12), dbSNP rs373683358, ClinGen allele CA5969831.

ClinVar aggregate classification (germline): Uncertain significance. Review status: criteria provided, multiple submitters, no conflicts (2 of 4 stars). 2 submissions from 2 submitters: Uncertain significance (2). Last evaluated 2022-08-06.

Conditions:
Cenani-Lenz syndactyly syndrome. Also called: CENANI SYNDACTYLISM; SYNDACTYLY, TYPE VII. Identifiers: Orphanet 3258, MedGen C1859309, MONDO:0008931, OMIM 212780.
Sclerosteosis 2 (SOST2). Identifiers: Orphanet 3152, MedGen C3280402, MONDO:0013679, OMIM 614305.
Congenital myasthenic syndrome 17. Identifiers: Orphanet 590, MedGen C4225377, MONDO:0014578, OMIM 616304.

Allele frequency attached by ClinVar (database versions not stated): gnomAD exomes 0.00003 and 0.00001; TOPMed 0.00003; gnomAD 0.00004 and 0.00003; ExAC 0.00001; ESP Exome Variant Server 0.00008.
gnomAD v4.1: 45 of 1,614,058 alleles (0.0028%); highest among the groups gnomAD compares: East Asian, 0.042%; no homozygotes.

Submissions (2):

Labcorp Genetics (formerly Invitae), Labcorp
Classification: Uncertain significance for Cenani-Lenz syndactyly syndrome; Sclerosteosis 2; Congenital myasthenic syndrome 17. Last evaluated: 2022-08-06. Review status: criteria provided, single submitter. Criteria: Invitae Variant Classification Sherloc (09022015). Collection method: clinical testing. Allele origin: germline.
Comment: ClinVar contains an entry for this variant (Variation ID: 304877). This variant has not been reported in the literature in individuals affected with LRP4-related conditions. This variant is present in population databases (rs373683358, gnomAD 0.003%). This sequence change replaces alanine, which is neutral and non-polar, with valine, which is neutral and non-polar, at codon 880 of the LRP4 protein (p.Ala880Val). Algorithms developed to predict the effect of missense changes on protein structure and function are either unavailable or do not agree on the potential impact of this missense change (SIFT: "Deleterious"; PolyPhen-2: "Benign"; Align-GVGD: "Class C55"). In summary, the available evidence is currently insufficient to determine the role of this variant in disease. Therefore, it has been classified as a Variant of Uncertain Significance. Algorithms developed to predict the effect of sequence changes on RNA splicing suggest that this variant may create or strengthen a splice site.

Illumina Laboratory Services, Illumina
Classification: Uncertain significance for Cenani-Lenz syndactyly syndrome. Last evaluated: 2018-01-12. Review status: criteria provided, single submitter. Criteria: ICSL Variant Classification Criteria 13 December 2019. Collection method: clinical testing. Allele origin: germline.